The following is an entry in ClinVar:

ClinVar aggregate classification (germline): Uncertain significance (1 of 4 stars; one submission).

Allele frequency attached by ClinVar (database versions not stated): gnomAD exomes below 0.00001; ExAC 0.00002.
gnomAD v4.1: 1 of 1,614,162 alleles (0.000062%); highest among the groups gnomAD compares: Non-Finnish European, 0.000085%; no homozygotes.

Submission:

Labcorp Genetics (formerly Invitae), Labcorp
Classification: Uncertain significance. Last evaluated: 2022-08-15. Review status: criteria provided, single submitter. Criteria: Invitae Variant Classification Sherloc (09022015). Collection method: clinical testing. Allele origin: germline.
Comment: In summary, the available evidence is currently insufficient to determine the role of this variant in disease. Therefore, it has been classified as a Variant of Uncertain Significance. Algorithms developed to predict the effect of missense changes on protein structure and function (SIFT, PolyPhen-2, Align-GVGD) all suggest that this variant is likely to be tolerated. ClinVar contains an entry for this variant (Variation ID: 1517618). This variant has not been reported in the literature in individuals affected with SZT2-related conditions. This variant is present in population databases (rs770875237, gnomAD 0.0009%). This sequence change replaces serine, which is neutral and polar, with leucine, which is neutral and non-polar, at codon 2089 of the SZT2 protein (p.Ser2089Leu).

NM_001365999.1(SZT2):c.6437C>T (p.Ser2146Leu)

Gene: SZT2 (SZT2 subunit of KICSTOR complex; plus strand). Cytogenetic location: 1p34.2.
Variant type: single nucleotide variant.
Coding change: c.6437C>T on transcript NM_001365999.1 (MANE Select); coding-DNA position 6437, C replaced by T.
Protein change: p.Ser2146Leu; replaces serine 2146 with leucine.
Molecular consequence: missense variant.
Genome position (GRCh38, 1-based): chr1:43,437,831, C>T. VCF-style: chr1-43437831-C-T. GRCh37 (hg19) VCF-style: chr1-43903502-C-T.
Other names: c.6266C>T, p.Ser2089Leu (NM_015284.4); short protein forms S2146L, S2089L.
Identifiers: ClinVar variation 1517618 (VCV001517618.8), dbSNP rs770875237, ClinGen allele CA809896.